The following is an entry in ClinVar:

NM_006005.3(WFS1):c.1185C>T (p.Val395=)

Gene: WFS1 (wolframin ER transmembrane glycoprotein; plus strand). Cytogenetic location: 4p16.1.
Variant type: single nucleotide variant.
Coding change: c.1185C>T on transcript NM_006005.3 (MANE Select); coding-DNA position 1185, C replaced by T.
Protein change: p.Val395=; no amino-acid change (valine 395 retained).
Molecular consequence: synonymous variant.
Genome position (GRCh38, 1-based): chr4:6,300,980, C>T. VCF-style: chr4-6300980-C-T. GRCh37 (hg19) VCF-style: chr4-6302707-C-T.
Other names: p.Val395=; c.1185C>T, p.Val395= (NM_001145853.1).
Identifiers: ClinVar variation 45431 (VCV000045431.49), dbSNP rs1801206, ClinGen allele CA136330.
Genomic context (GRCh38, chr4:6,300,980, plus strand): 5'-CACCCTCACCGACCTGCTGCTGCGCTTCGAGCCCAACCTGGATGTGGAGCAGGCCGAGGT[C>T]AACTTCGGCTGGAACCACCTGGAGCCCTATGCCCATTTCCTGCTCTCTGTCTTCTTCGTC-3'
Protein context (NP_005996.2, residues 385-405): EPNLDVEQAE[Val395=]NFGWNHLEPY

ClinVar aggregate classification (germline): Conflicting classifications of pathogenicity. Review status: criteria provided, conflicting classifications (1 of 4 stars). 16 submissions from 15 submitters: Uncertain significance (1); Benign (11). 4 of the submissions do not count toward it. Last evaluated 2026-02-04.

Conditions:
WFS1-Related Spectrum Disorders.
Wolfram syndrome 1 (WFS1). Identifiers: Orphanet 3463, MedGen C4551693, MONDO:0009101, OMIM 222300.
Autosomal dominant nonsyndromic hearing loss 6 (LFSNHL). Also called: DEAFNESS, AUTOSOMAL DOMINANT 6; DEAFNESS, AUTOSOMAL DOMINANT 14; DEAFNESS, AUTOSOMAL DOMINANT 38; Autosomal dominant nonsyndromic deafness 6. Identifiers: Orphanet 90635, MedGen C1833021, MONDO:0010963, OMIM 600965.

Allele frequency attached by ClinVar (database versions not stated): ESP Exome Variant Server 0.55305; gnomAD 0.56648 and 0.57629; TOPMed 0.57974; ExAC 0.62452; gnomAD exomes 0.63461; 1000 Genomes Project 30x 0.63804; 1000 Genomes Project 0.64157.
gnomAD v4.1: 972,002 of 1,613,788 alleles (60%); highest among the groups gnomAD compares: East Asian, 95%; 297,731 homozygotes.

Submissions (16):

Labcorp Genetics (formerly Invitae), Labcorp
Classification: Benign. Last evaluated: 2026-02-04. Review status: criteria provided, single submitter. Criteria: Invitae Variant Classification Sherloc (09022015). Collection method: clinical testing. Allele origin: germline.

ARUP Laboratories, Molecular Genetics and Genomics, ARUP Laboratories
Classification: Benign. Last evaluated: 2025-07-30. Review status: criteria provided, single submitter. Criteria: ARUP Molecular Germline Variant Investigation Process 2024. Collection method: clinical testing. Allele origin: germline.

Blueprint Genetics
Classification: Benign. Last evaluated: 2024-11-27. Review status: criteria provided, single submitter. Criteria: ACMG Guidelines, 2015. Collection method: clinical testing. Allele origin: germline.

Mayo Clinic Laboratories, Mayo Clinic
Classification: Benign. Last evaluated: 2023-01-03. Review status: criteria provided, single submitter. Criteria: ACMG Guidelines, 2015. Collection method: clinical testing. Allele origin: germline. Observed: 539 variant alleles.
Comment: BA1

Illumina Laboratory Services, Illumina
Classification: Benign for Autosomal dominant nonsyndromic hearing loss 6. Last evaluated: 2017-04-27. Review status: criteria provided, single submitter. Criteria: ICSL Variant Classification Criteria 13 December 2019. Collection method: clinical testing. Allele origin: germline.
Comment: This variant was observed as part of a predisposition screen in an ostensibly healthy population. A literature search was performed for the gene, cDNA change, and amino acid change (where applicable). No publications were found based on this search. Allele frequency data from public databases was too high to be consistent with this variant causing disease. Therefore, this variant is classified as benign.

Illumina Laboratory Services, Illumina
Classification: Benign for WFS1-Related Spectrum Disorders. Last evaluated: 2017-04-27. Review status: criteria provided, single submitter. Criteria: ICSL Variant Classification Criteria 13 December 2019. Collection method: clinical testing. Allele origin: germline.
Comment: the same text as in the submission from Illumina Laboratory Services, Illumina above.

GeneDx
Classification: Benign. Last evaluated: 2015-03-03. Review status: criteria provided, single submitter. Criteria: GeneDx Variant Classification Process June 2021. Collection method: clinical testing. Allele origin: germline. Affected: yes.
Comment: This variant is associated with the following publications: (PMID: 12107816)

Eurofins Ntd Llc (ga)
Classification: Benign. Last evaluated: 2013-07-30. Review status: criteria provided, single submitter. Criteria: EGL Classification Definitions 2015. Collection method: clinical testing. Allele origin: germline. Observed: 42 variant alleles, 18 heterozygotes, 24 homozygotes.

Laboratory for Molecular Medicine, Mass General Brigham Personalized Medicine
Classification: Benign. Last evaluated: 2012-02-28. Review status: criteria provided, single submitter. Criteria: LMM Criteria. Collection method: clinical testing. Allele origin: germline. Observed: 1,350 variant alleles.

Breakthrough Genomics
Classification: Benign. Review status: criteria provided, single submitter. Criteria: ACMG Guidelines, 2015. Collection method: not provided. Allele origin: germline. Inheritance: Autosomal recessive inheritance. Affected: yes.

Clinical Genomics, Uppaluri K&H Personalized Medicine Clinic
Classification: Uncertain significance for Wolfram syndrome 1. Review status: criteria provided, single submitter. Criteria: K & H Uppaluri Personalized Medicine Clinic Variant Classification & Assertion Criteria_Updated V.1. Collection method: research. Allele origin: unknown. Inheritance: Autosomal recessive inheritance.
Comment: Mutations in WFS1 gene are associated with Wolfram's syndrome, an autosomal recessive condition, which cause diabetes mellitus, diabetes insipidus, deafness and optic atrophy. rs1801206 variant is also seen in patients with Diabetes Mellitus. However, the role of this particular variant rs1801206 is yet to be ascertained.

PreventionGenetics, part of Exact Sciences
Classification: Benign. Review status: criteria provided, single submitter. Criteria: ACMG Guidelines, 2015. Collection method: clinical testing. Allele origin: germline.

Clinical Genetics DNA and cytogenetics Diagnostics Lab, Erasmus MC, Erasmus Medical Center
Classification: Benign. Review status: no assertion criteria provided. Collection method: clinical testing. Allele origin: germline. Affected: yes. Study: VKGL Data-share Consensus. Not counted in ClinVar's aggregate classification.

Diagnostic Laboratory, Department of Genetics, University Medical Center Groningen
Classification: Benign. Review status: no assertion criteria provided. Collection method: clinical testing. Allele origin: germline. Affected: yes. Study: VKGL Data-share Consensus. Not counted in ClinVar's aggregate classification.

Genetic Services Laboratory, University of Chicago
Classification: Likely benign for AllHighlyPenetrant. Review status: no assertion criteria provided. Collection method: clinical testing. Allele origin: germline. Inheritance: Autosomal recessive inheritance. Not counted in ClinVar's aggregate classification.
Comment: Likely benign based on allele frequency in 1000 Genomes Project or ESP global frequency and its presence in a patient with a rare or unrelated disease phenotype. NOT Sanger confirmed.

Joint Genome Diagnostic Labs from Nijmegen and Maastricht, Radboudumc and MUMC+
Classification: Benign. Review status: no assertion criteria provided. Collection method: clinical testing. Allele origin: germline. Affected: yes. Study: VKGL Data-share Consensus. Not counted in ClinVar's aggregate classification.

Literature cited by the submitters: PubMed 22238590 (cited by Clinical Genomics, Uppaluri K&H Personalized Medicine Clinic); PubMed 12107816 (cited by Clinical Genomics, Uppaluri K&H Personalized Medicine Clinic); PubMed 25392243 (cited by Clinical Genomics, Uppaluri K&H Personalized Medicine Clinic); PubMed 34737607 (cited by Clinical Genomics, Uppaluri K&H Personalized Medicine Clinic).